The following is an entry in ClinVar:

ClinVar aggregate classification (germline): Uncertain significance (1 of 4 stars; one submission).

Allele frequency attached by ClinVar (database versions not stated): ExAC 0.00023; gnomAD 0.00031; TOPMed 0.00043.
gnomAD v4.1: 644 of 1,540,614 alleles (0.042%); highest among the groups gnomAD compares: Non-Finnish European, 0.054%; 1 homozygote.

Submission:

CeGaT Center for Human Genetics Tuebingen
Classification: Uncertain significance. Last evaluated: 2023-02-01. Review status: criteria provided, single submitter. Criteria: CeGaT Center For Human Genetics Tuebingen Variant Classification Criteria Version 2. Collection method: clinical testing. Allele origin: germline. Affected: yes. Observed: 1 variant allele.
Comment: PATL2: PM2, BP4

NM_001387263.1(PATL2):c.1222C>G (p.Gln408Glu)

Gene: PATL2 (PAT1 homolog 2; minus strand). Cytogenetic location: 15q21.1.
Variant type: single nucleotide variant.
Coding change: c.1222C>G on transcript NM_001387263.1 (MANE Select); coding-DNA position 1222, C replaced by G.
Protein change: p.Gln408Glu; replaces glutamine 408 with glutamic acid.
Molecular consequence: missense variant.
Genome position (GRCh38, 1-based): chr15:44,668,982, G>C on the plus strand (C>G on the coding strand, the complement: PATL2 is on the minus strand). VCF-style: chr15-44668982-G-C. GRCh37 (hg19) VCF-style: chr15-44961180-G-C.
Other names: c.1222C>G, p.Gln408Glu (NM_001145112.2, NM_001387261.1, NM_001387262.1); c.655C>G, p.Gln219Glu (NM_001330283.2); c.1129C>G, p.Gln377Glu (NM_001387260.1, NM_001387264.1); short protein forms Q219E, Q377E, Q408E.
Identifiers: ClinVar variation 2498608 (VCV002498608.28), dbSNP rs528374242, ClinGen allele CA7536067.